The following is an entry in ClinVar:

NM_005219.5(DIAPH1):c.2309A>G (p.Lys770Arg)

Gene: DIAPH1 (diaphanous related formin 1; minus strand). Cytogenetic location: 5q31.3.
Variant type: single nucleotide variant.
Coding change: c.2309A>G on transcript NM_005219.5 (MANE Select); coding-DNA position 2309, A replaced by G.
Protein change: p.Lys770Arg; replaces lysine 770 with arginine.
Molecular consequence: missense variant.
Genome position (GRCh38, 1-based): chr5:141,573,541, T>C on the plus strand (A>G on the coding strand, the complement: DIAPH1 is on the minus strand). VCF-style: chr5-141573541-T-C. GRCh37 (hg19) VCF-style: chr5-140953108-T-C.
Other names: c.2282A>G, p.Lys761Arg (NM_001079812.3); c.2309A>G, p.Lys770Arg (NM_001314007.2); short protein forms K770R, K761R.
Identifiers: ClinVar variation 1485512 (VCV001485512.6), dbSNP rs2154596262, ClinGen allele CA361514838.

ClinVar aggregate classification (germline): Uncertain significance (1 of 4 stars; one submission).

Conditions:
Progressive microcephaly-seizures-cortical blindness-developmental delay syndrome. Also called: Seizures, cortical blindness, and microcephaly syndrome. Identifiers: Orphanet 477814, MedGen C5567650, MONDO:0014714, OMIM 616632.
Autosomal dominant nonsyndromic hearing loss 1. Also called: KONIGSMARK SYNDROME; DEAFNESS, AUTOSOMAL DOMINANT 1, WITH OR WITHOUT THROMBOCYTOPENIA. Identifiers: Orphanet 90635, MedGen C1852282, MONDO:0007424, OMIM 124900.

gnomAD v4.1: 1 of 1,613,730 alleles (0.000062%); highest among the groups gnomAD compares: Non-Finnish European, 0.000085%; no homozygotes.

Submission:

Labcorp Genetics (formerly Invitae), Labcorp
Classification: Uncertain significance for Progressive microcephaly-seizures-cortical blindness-developmental delay syndrome; Autosomal dominant nonsyndromic hearing loss 1. Last evaluated: 2021-08-23. Review status: criteria provided, single submitter. Criteria: Invitae Variant Classification Sherloc (09022015). Collection method: clinical testing. Allele origin: germline.
Comment: In summary, the available evidence is currently insufficient to determine the role of this variant in disease. Therefore, it has been classified as a Variant of Uncertain Significance. Algorithms developed to predict the effect of sequence changes on RNA splicing suggest that this variant may create or strengthen a splice site. Algorithms developed to predict the effect of missense changes on protein structure and function are either unavailable or do not agree on the potential impact of this missense change (SIFT: "Deleterious"; PolyPhen-2: "Probably Damaging"; Align-GVGD: "Class C0"). This variant has not been reported in the literature in individuals affected with DIAPH1-related conditions. This variant is not present in population databases (ExAC no frequency). This sequence change replaces lysine with arginine at codon 770 of the DIAPH1 protein (p.Lys770Arg). The lysine residue is moderately conserved and there is a small physicochemical difference between lysine and arginine.